The following is an entry in ClinVar:

NM_002691.4(POLD1):c.841-19G>A

Gene: POLD1 (DNA polymerase delta 1, catalytic subunit; plus strand). Cytogenetic location: 19q13.33.
Variant type: single nucleotide variant.
Coding change: c.841-19G>A on transcript NM_002691.4 (MANE Select); 19 bases into the intron before coding-DNA position 841, G replaced by A.
Molecular consequence: intron variant.
Genome position (GRCh38, 1-based): chr19:50,402,593, G>A. VCF-style: chr19-50402593-G-A. GRCh37 (hg19) VCF-style: chr19-50905850-G-A.
Other names: c.841-19G>A (NM_001256849.1, NM_001308632.1).
Identifiers: ClinVar variation 3904463 (VCV003904463.1).

ClinVar aggregate classification (germline): Likely benign (1 of 4 stars; one submission).

Conditions:
POLD1-related polyposis and colorectal cancer syndrome (CRCS10). Also called: Colorectal cancer 10; COLORECTAL CANCER, SUSCEPTIBILITY TO, ON CHROMOSOME 19q; Colorectal cancer, susceptibility to, 10. Identifiers: Orphanet 220460, MedGen C2675481, MONDO:0012953, OMIM 612591.

gnomAD v4.1: 1 of 1,571,296 alleles (0.000064%); highest among the groups gnomAD compares: South Asian, 0.0012%; no homozygotes.

Submission:

Myriad Genetics, Inc.
Classification: Likely benign for POLD1-related polyposis and colorectal cancer syndrome. Last evaluated: 2025-02-04. Review status: criteria provided, single submitter. Criteria: Myriad Autosomal Dominant, Autosomal Recessive and X-Linked Classification Criteria (2023). Collection method: clinical testing. Allele origin: unknown.
Comment: This variant is considered likely benign. This variant is intronic and is not expected to impact mRNA splicing.